The following is an entry in ClinVar:

ClinVar aggregate classification (germline): Benign (0 of 4 stars; one submission).

Conditions:
MAP4-related disorder. Also called: MAP4-related condition.

Allele frequency attached by ClinVar (database versions not stated): 1000 Genomes Project 30x 0.00312; gnomAD 0.00411; TOPMed 0.00513; gnomAD exomes 0.00052; ExAC 0.00137; 1000 Genomes Project 0.00319; ESP Exome Variant Server 0.00461.
gnomAD v4.1: 1,402 of 1,608,914 alleles (0.087%); highest among the groups gnomAD compares: African/African-American, 1.6%; 13 homozygotes.

Submission:

PreventionGenetics, part of Exact Sciences
Classification: Benign for MAP4-related condition. Last evaluated: 2019-06-06. Review status: no assertion criteria provided. Collection method: clinical testing. Allele origin: germline.
Comment: This variant is classified as benign based on ACMG/AMP sequence variant interpretation guidelines (Richards et al. 2015 PMID: 25741868, with internal and published modifications).

NM_001385682.1(MAP4):c.647C>T (p.Thr216Met)

Gene: MAP4 (microtubule associated protein 4; minus strand). Cytogenetic location: 3p21.31.
Variant type: single nucleotide variant.
Coding change: c.647C>T on transcript NM_001385682.1 (MANE Select); coding-DNA position 647, C replaced by T.
Protein change: p.Thr216Met; replaces threonine 216 with methionine.
Molecular consequence: missense variant. On other transcripts: intron variant (41).
Genome position (GRCh38, 1-based): chr3:47,918,724, G>A on the plus strand (C>T on the coding strand, the complement: MAP4 is on the minus strand). VCF-style: chr3-47918724-G-A. GRCh37 (hg19) VCF-style: chr3-47960214-G-A.
Other names: c.569C>T, p.Thr190Met (NM_001384859.1, NM_001384873.1); c.647C>T, p.Thr216Met (NM_001384861.1, NM_001384870.1, NM_001384871.1 and 45 more transcripts); c.731C>T, p.Thr244Met (NM_001384863.1); c.326C>T, p.Thr109Met (NM_001384867.1, NM_001384845.1, NM_001384839.1); c.578C>T, p.Thr193Met (NM_001384869.1, NM_001385664.1, NM_001384730.1 and 10 more transcripts); c.683C>T, p.Thr228Met (NM_001384872.1, NM_001384678.1, NM_001384875.1 and 4 more transcripts); c.698C>T, p.Thr233Met (NM_001385681.1, NM_001385686.1, NM_001385687.1 and 9 more transcripts); c.533C>T, p.Thr178Met (NM_001384841.1, NM_001384851.1, NM_001384876.1 and 4 more transcripts); and 13 more; short protein forms T109M, T137M, T178M, T186M, T190M, T193M, T216M, T228M.
Identifiers: ClinVar variation 3044324 (VCV003044324.2), dbSNP rs76333690, ClinGen allele CA2371592.